The following is an entry in ClinVar:

NM_024570.4(RNASEH2B):c.405G>C (p.Glu135Asp)

Gene: RNASEH2B (ribonuclease H2 subunit B; plus strand). Cytogenetic location: 13q14.3.
Variant type: single nucleotide variant.
Coding change: c.405G>C on transcript NM_024570.4 (MANE Select); coding-DNA position 405, G replaced by C.
Protein change: p.Glu135Asp; replaces glutamic acid 135 with aspartic acid.
Molecular consequence: missense variant.
Genome position (GRCh38, 1-based): chr13:50,934,968, G>C. VCF-style: chr13-50934968-G-C. GRCh37 (hg19) VCF-style: chr13-51509104-G-C.
Other names: c.405G>C, p.Glu135Asp (NM_001142279.2); short protein forms E135D.
Identifiers: ClinVar variation 1490470 (VCV001490470.5), dbSNP rs1951727784, ClinGen allele CA388259270.
Genomic context (GRCh38, chr13:50,934,968, plus strand): 5'-AGTTGTGGTGGATAACGTGTTTCCAAATTGCATCTTGTTGCTGAAACTTCCTGGACTTGA[G>C]AAGTTACTTCATCATGTGACAGAGGAAAAAGGTATGGTATAACTTAAAGGCTTATGGCTG-3'
Protein context (NP_078846.2, residues 125-145): CILLLKLPGL[Glu135Asp]KLLHHVTEEK

ClinVar aggregate classification (germline): Uncertain significance (1 of 4 stars; one submission).

Conditions:
Aicardi-Goutieres syndrome 2. Identifiers: Orphanet 51, MedGen C3489724, MONDO:0012429, OMIM 610181.

Allele frequency attached by ClinVar (database versions not stated): gnomAD exomes below 0.00001; TOPMed below 0.00001.
gnomAD v4.1: 1 of 1,613,516 alleles (0.000062%); highest among the groups gnomAD compares: African/African-American, 0.0013%; no homozygotes.

Submission:

Labcorp Genetics (formerly Invitae), Labcorp
Classification: Uncertain significance for Aicardi-Goutieres syndrome 2. Last evaluated: 2022-02-04. Review status: criteria provided, single submitter. Criteria: Invitae Variant Classification Sherloc (09022015). Collection method: clinical testing. Allele origin: germline.
Comment: This sequence change replaces glutamic acid, which is acidic and polar, with aspartic acid, which is acidic and polar, at codon 135 of the RNASEH2B protein (p.Glu135Asp). This variant is not present in population databases (gnomAD no frequency). This variant has not been reported in the literature in individuals affected with RNASEH2B-related conditions. Algorithms developed to predict the effect of missense changes on protein structure and function (SIFT, PolyPhen-2, Align-GVGD) all suggest that this variant is likely to be tolerated. In summary, the available evidence is currently insufficient to determine the role of this variant in disease. Therefore, it has been classified as a Variant of Uncertain Significance.